The following is an entry in ClinVar:

ClinVar aggregate classification (germline): Uncertain significance. Review status: criteria provided, multiple submitters, no conflicts (2 of 4 stars). 6 submissions from 6 submitters: Uncertain significance (6). Last evaluated 2026-01-22.

Conditions:
Dyskeratosis congenita, autosomal dominant 6 (DKCA6). Identifiers: Orphanet 3322, MedGen C4225284, MONDO:0014690, OMIM 616553.

Allele frequency attached by ClinVar (database versions not stated): ExAC 0.00006; gnomAD exomes 0.00007; ESP Exome Variant Server 0.00008; gnomAD 0.00008; TOPMed 0.00013.
gnomAD v4.1: 123 of 1,613,492 alleles (0.0076%); highest among the groups gnomAD compares: Middle Eastern, 0.082%; no homozygotes.

Submissions (6):

Labcorp Genetics (formerly Invitae), Labcorp
Classification: Uncertain significance for Dyskeratosis congenita, autosomal dominant 6. Last evaluated: 2026-01-22. Review status: criteria provided, single submitter. Criteria: Invitae Variant Classification Sherloc (09022015). Collection method: clinical testing. Allele origin: germline.
Comment: This sequence change replaces serine, which is neutral and polar, with leucine, which is neutral and non-polar, at codon 407 of the ACD protein (p.Ser407Leu). This variant is present in population databases (rs374925782, gnomAD 0.01%). This missense change has been observed in individual(s) with head and neck cancer (PMID: 34598035). ClinVar contains an entry for this variant (Variation ID: 647101). Invitae Evidence Modeling of protein sequence and biophysical properties (such as structural, functional, and spatial information, amino acid conservation, physicochemical variation, residue mobility, and thermodynamic stability) indicates that this missense variant is expected to disrupt ACD protein function with a positive predictive value of 80%. In summary, the available evidence is currently insufficient to determine the role of this variant in disease. Therefore, it has been classified as a Variant of Uncertain Significance.

Center for Genomic Medicine, Rigshospitalet, Copenhagen University Hospital
Classification: Uncertain significance. Last evaluated: 2025-03-04. Review status: criteria provided, single submitter. Criteria: ACMG Guidelines, 2015. Collection method: clinical testing. Allele origin: germline.

Blueprint Genetics
Classification: Uncertain significance. Last evaluated: 2024-11-26. Review status: criteria provided, single submitter. Criteria: ACMG Guidelines, 2015. Collection method: clinical testing. Allele origin: germline.

GeneDx
Classification: Uncertain significance. Last evaluated: 2023-12-17. Review status: criteria provided, single submitter. Criteria: GeneDx Variant Classification Process June 2021. Collection method: clinical testing. Allele origin: germline. Affected: yes.
Comment: Reported as a germline variant in an individual with early-onset head and neck cancer in the published literature; however, variants in other genes were also identified (PMID: 34598035); In silico analysis supports that this missense variant has a deleterious effect on protein structure/function; Variants in candidate genes are classified as variants of uncertain significance in accordance with ACMG guidelines (PMID: 25741868); This variant is associated with the following publications: (PMID: 34598035)

Institute for Clinical Genetics, University Hospital TU Dresden, University Hospital TU Dresden
Classification: Uncertain significance. Last evaluated: 2021-11-03. Review status: criteria provided, single submitter. Criteria: ACMG Guidelines, 2015. Collection method: clinical testing. Allele origin: germline.

Genetic Services Laboratory, University of Chicago
Classification: Uncertain significance. Last evaluated: 2018-09-13. Review status: criteria provided, single submitter. Criteria: ACMG Guidelines, 2015. Collection method: clinical testing. Allele origin: germline. Affected: no.

Literature cited by the submitters: PubMed 34598035 (cited by Labcorp Genetics (formerly Invitae), Labcorp and Center for Genomic Medicine, Rigshospitalet, Copenhagen University Hospital).

NM_001082486.2(ACD):c.962C>T (p.Ser321Leu)

Gene: ACD (ACD shelterin complex subunit and telomerase recruitment factor; minus strand). Cytogenetic location: 16q22.1.
Variant type: single nucleotide variant.
Coding change: c.962C>T on transcript NM_001082486.2 (MANE Select); coding-DNA position 962, C replaced by T.
Protein change: p.Ser321Leu; replaces serine 321 with leucine.
Molecular consequence: missense variant.
Genome position (GRCh38, 1-based): chr16:67,658,230, G>A on the plus strand (C>T on the coding strand, the complement: ACD is on the minus strand). VCF-style: chr16-67658230-G-A. GRCh37 (hg19) VCF-style: chr16-67692133-G-A.
Other names: c.962C>T, p.Ser321Leu (LRG_1237t1); c.953C>T, p.Ser318Leu (NM_022914.3); short protein forms S318L, S321L.
Identifiers: ClinVar variation 647101 (VCV000647101.24), dbSNP rs374925782, ClinGen allele CA8114474.